The following is an entry in ClinVar:

NM_004667.6(HERC2):c.5351G>A (p.Arg1784His)

Gene: HERC2 (HECT and RLD domain containing E3 ubiquitin protein ligase 2; minus strand). Cytogenetic location: 15q13.1.
Variant type: single nucleotide variant.
Coding change: c.5351G>A on transcript NM_004667.6 (MANE Select); coding-DNA position 5351, G replaced by A.
Protein change: p.Arg1784His; replaces arginine 1784 with histidine.
Molecular consequence: missense variant.
Genome position (GRCh38, 1-based): chr15:28,228,331, C>T on the plus strand (G>A on the coding strand, the complement: HERC2 is on the minus strand). VCF-style: chr15-28228331-C-T. GRCh37 (hg19) VCF-style: chr15-28473477-C-T.
Other names: c.5351G>A (NM_004667.4); short protein forms R1784H.
Identifiers: ClinVar variation 931263 (VCV000931263.6), dbSNP rs1377524842, ClinGen allele CA391377031.
Genomic context (GRCh38, chr15:28,228,331, plus strand): 5'-AGGTCGAGGTTGTTTGCGCCGTGCTGCAGGGTGAGCATGCTGAGCATCACCAGGAGGAAG[C>T]GGGCTTGCGGGATGGTCCCCAGGCTCGGTCCTGACGGGTTCTCATTGGTGATGGTTTGCA-3'
Protein context (NP_004658.3, residues 1774-1794): GPSLGTIPQA[Arg1784His]FLLVMLSMLT

ClinVar aggregate classification (germline): Uncertain significance. Review status: criteria provided, multiple submitters, no conflicts (2 of 4 stars). 3 submissions from 3 submitters: Uncertain significance (3). Last evaluated 2024-11-27.

Conditions:
Prader-Willi syndrome (PWS). Identifiers: Orphanet 739, MedGen C0032897, MONDO:0008300, OMIM 176270. Disease mechanism: loss of function, Microdeletion. Inheritance: Microdletion.
Inborn genetic diseases. Identifiers: MedGen C0950123, MeSH D030342.

Allele frequency attached by ClinVar (database versions not stated): gnomAD 0.00001; gnomAD exomes 0.00001; TOPMed 0.00001.
gnomAD v4.1: 23 of 1,612,122 alleles (0.0014%); highest among the groups gnomAD compares: African/African-American, 0.0027%; no homozygotes.

Submissions (3):

Blueprint Genetics
Classification: Uncertain significance. Last evaluated: 2024-11-27. Review status: criteria provided, single submitter. Criteria: ACMG Guidelines, 2015. Collection method: clinical testing. Allele origin: germline.

Ambry Genetics
Classification: Uncertain significance for Inborn genetic diseases. Last evaluated: 2022-03-29. Review status: criteria provided, single submitter. Criteria: Ambry Variant Classification Scheme 2023. Collection method: clinical testing. Allele origin: germline.

Centre for Mendelian Genomics, University Medical Centre Ljubljana
Classification: Uncertain significance for Prader-Willi syndrome. Last evaluated: 2020-01-28. Review status: criteria provided, single submitter. Criteria: ACMG Guidelines, 2015. Collection method: clinical testing. Allele origin: unknown. Affected: yes.
Comment: This variant was classified as: Uncertain significance. The available evidence on this variant's pathogenicity is insufficient or conflicting. The following ACMG criteria were applied in classifying this variant: PM2,PP3.